The following is an entry in ClinVar:

NM_001369268.1(ACAN):c.1652G>A (p.Ser551Asn)

Gene: ACAN (aggrecan; plus strand). Cytogenetic location: 15q26.1.
Variant type: single nucleotide variant.
Coding change: c.1652G>A on transcript NM_001369268.1 (MANE Select); coding-DNA position 1652, G replaced by A.
Protein change: p.Ser551Asn; replaces serine 551 with asparagine.
Molecular consequence: missense variant.
Genome position (GRCh38, 1-based): chr15:88,847,958, G>A. VCF-style: chr15-88847958-G-A. GRCh37 (hg19) VCF-style: chr15-89391189-G-A.
Other names: c.1652G>A, p.Ser551Asn (NM_001135.4, NM_001411096.1, NM_001411097.1 and 1 more transcripts); short protein forms S551N.
Identifiers: ClinVar variation 3608749 (VCV003608749.2).

ClinVar aggregate classification (germline): Uncertain significance (1 of 4 stars; one submission).

Submission:

Labcorp Genetics (formerly Invitae), Labcorp
Classification: Uncertain significance. Last evaluated: 2024-11-13. Review status: criteria provided, single submitter. Criteria: Invitae Variant Classification Sherloc (09022015). Collection method: clinical testing. Allele origin: germline.
Comment: This sequence change replaces serine, which is neutral and polar, with asparagine, which is neutral and polar, at codon 551 of the ACAN protein (p.Ser551Asn). This variant is not present in population databases (gnomAD no frequency). This variant has not been reported in the literature in individuals affected with ACAN-related conditions. Invitae Evidence Modeling of protein sequence and biophysical properties (such as structural, functional, and spatial information, amino acid conservation, physicochemical variation, residue mobility, and thermodynamic stability) indicates that this missense variant is not expected to disrupt ACAN protein function with a negative predictive value of 80%. In summary, the available evidence is currently insufficient to determine the role of this variant in disease. Therefore, it has been classified as a Variant of Uncertain Significance.